The following is an entry in ClinVar:

NM_004064.5(CDKN1B):c.543_545del (p.Gly182del)

Gene: CDKN1B (cyclin dependent kinase inhibitor 1B; plus strand). Cytogenetic location: 12p13.1.
Variant type: Deletion.
Coding change: c.543_545del on transcript NM_004064.5 (MANE Select); coding-DNA positions 543 to 545, 3 bases deleted (CGG; older notation c.543_545delCGG).
Protein change: p.Gly182del; deletes glycine 182.
Molecular consequence: inframe deletion.
Genome position (GRCh38, 1-based): chr12:12,718,892-12,718,894, CGG deleted. VCF-style (leftmost placement, unchanged base first): chr12-12718891-CCGG-C. GRCh37 (hg19) VCF-style: chr12-12871825-CCGG-C.
Other names: short protein forms G182del.
Identifiers: ClinVar variation 4732907 (VCV004732907.1).

ClinVar aggregate classification (germline): Uncertain significance (1 of 4 stars; one submission).

Conditions:
Multiple endocrine neoplasia type 4. Also called: MULTIPLE ENDOCRINE NEOPLASIA, TYPE IV. Identifiers: Orphanet 276152, MedGen C1970712, MONDO:0012552, OMIM 610755.

Submission:

Labcorp Genetics (formerly Invitae), Labcorp
Classification: Uncertain significance for Multiple endocrine neoplasia type 4. Last evaluated: 2025-12-10. Review status: criteria provided, single submitter. Criteria: Invitae Variant Classification Sherloc (09022015). Collection method: clinical testing. Allele origin: germline.
Comment: This variant, c.543_545del, results in the deletion of 1 amino acid(s) of the CDKN1B protein (p.Gly182del), but otherwise preserves the integrity of the reading frame. This variant is not present in population databases (gnomAD no frequency). This variant has not been reported in the literature in individuals affected with CDKN1B-related conditions. Experimental studies and prediction algorithms are not available or were not evaluated, and the functional significance of this variant is currently unknown. In summary, the available evidence is currently insufficient to determine the role of this variant in disease. Therefore, it has been classified as a Variant of Uncertain Significance.